The following is an entry in ClinVar:

NM_001267550.2(TTN):c.107223A>G (p.Pro35741=)

Genes: TTN (titin; minus strand), TTN-AS1 (TTN antisense RNA 1; plus strand). Cytogenetic location: 2q31.2.
Variant type: single nucleotide variant.
Coding change: c.107223A>G on transcript NM_001267550.2 (MANE Select); coding-DNA position 107223, A replaced by G.
Protein change: p.Pro35741=; no amino-acid change (proline 35741 retained).
Molecular consequence: synonymous variant.
Genome position (GRCh38, 1-based): chr2:178,528,528, T>C on the plus strand (A>G on the coding strand, the complement: TTN is on the minus strand). VCF-style: chr2-178528528-T-C. GRCh37 (hg19) VCF-style: chr2-179393255-T-C.
Other names: c.102300A>G, p.Pro34100= (NM_001256850.1); c.80028A>G, p.Pro26676= (NM_003319.4); c.99519A>G, p.Pro33173= (NM_133378.4); c.80403A>G, p.Pro26801= (NM_133432.3); c.80604A>G, p.Pro26868= (NM_133437.4).
Identifiers: ClinVar variation 2940969 (VCV002940969.3), dbSNP rs2468291756, ClinGen allele CA430234607.

ClinVar aggregate classification (germline): Uncertain significance (1 of 4 stars; one submission).

Conditions:
Dilated cardiomyopathy 1G (CMD1G). Identifiers: Orphanet 154, MedGen C1858763, MONDO:0011400, OMIM 604145.
Autosomal recessive limb-girdle muscular dystrophy type 2J (LGMDR10). Also called: Limb-girdle muscular dystrophy, type 2J; MUSCULAR DYSTROPHY, LIMB-GIRDLE, AUTOSOMAL RECESSIVE 10. Identifiers: Orphanet 140922, MedGen C1837342, MONDO:0012127, OMIM 608807.

Allele frequency attached by ClinVar (database versions not stated): gnomAD exomes below 0.00001.

Submission:

Labcorp Genetics (formerly Invitae), Labcorp
Classification: Uncertain significance for Dilated cardiomyopathy 1G; Autosomal recessive limb-girdle muscular dystrophy type 2J. Last evaluated: 2024-10-14. Review status: criteria provided, single submitter. Criteria: Invitae Variant Classification Sherloc (09022015). Collection method: clinical testing. Allele origin: germline.
Comment: This sequence change affects codon 35741 of the TTN mRNA. It is a 'silent' change, meaning that it does not change the encoded amino acid sequence of the TTN protein. It affects a nucleotide within the consensus splice site. This variant is not present in population databases (gnomAD no frequency). This variant has not been reported in the literature in individuals affected with TTN-related conditions. Algorithms developed to predict the effect of sequence changes on RNA splicing suggest that this variant is not likely to affect RNA splicing. This variant is located in the M band of TTN (PMID: 25589632). Non-truncating variants in this region may be relevant for neuromuscular disorders, but have not been definitively shown to cause cardiomyopathy (PMID: 23975875). In summary, the available evidence is currently insufficient to determine the role of this variant in disease. Therefore, it has been classified as a Variant of Uncertain Significance.

Literature cited by the submitters: PubMed 25589632; PubMed 23975875.